The following is an entry in ClinVar:

ClinVar aggregate classification (germline): Uncertain significance. Review status: criteria provided, multiple submitters, no conflicts (2 of 4 stars). 2 submissions from 2 submitters: Uncertain significance (2). Last evaluated 2025-05-21.

Conditions:
Hereditary cancer-predisposing syndrome. Also called: Tumor predisposition; Hereditary neoplastic syndrome; Neoplastic Syndromes, Hereditary; Hereditary Cancer Syndrome. Identifiers: Orphanet 140162, MedGen C0027672, MeSH D009386, MONDO:0015356.
Bloom syndrome (BLM). Also called: Bloom-Torre-Machacek syndrome. Identifiers: Orphanet 125, MedGen C0005859, MONDO:0008876, OMIM 210900.

Submissions (2):

Ambry Genetics
Classification: Uncertain significance for Hereditary cancer-predisposing syndrome. Last evaluated: 2025-05-21. Review status: criteria provided, single submitter. Criteria: Ambry Variant Classification Scheme 2023. Collection method: clinical testing. Allele origin: germline.
Comment: The p.Y1072F variant (also known as c.3215A>T), located in coding exon 16 of the BLM gene, results from an A to T substitution at nucleotide position 3215. The tyrosine at codon 1072 is replaced by phenylalanine, an amino acid with highly similar properties. This amino acid position is conserved. In addition, this alteration is predicted to be tolerated by in silico analysis. Based on the available evidence, the clinical significance of this variant remains unclear.

Labcorp Genetics (formerly Invitae), Labcorp
Classification: Uncertain significance for Bloom syndrome. Last evaluated: 2022-06-28. Review status: criteria provided, single submitter. Criteria: Invitae Variant Classification Sherloc (09022015). Collection method: clinical testing. Allele origin: germline.
Comment: In summary, the available evidence is currently insufficient to determine the role of this variant in disease. Therefore, it has been classified as a Variant of Uncertain Significance. Algorithms developed to predict the effect of missense changes on protein structure and function output the following: SIFT: "Tolerated"; PolyPhen-2: "Benign"; Align-GVGD: "Class C0". The phenylalanine amino acid residue is found in multiple mammalian species, which suggests that this missense change does not adversely affect protein function. This variant has not been reported in the literature in individuals affected with BLM-related conditions. This variant is not present in population databases (gnomAD no frequency). This sequence change replaces tyrosine, which is neutral and polar, with phenylalanine, which is neutral and non-polar, at codon 1072 of the BLM protein (p.Tyr1072Phe).

NM_000057.4(BLM):c.3215A>T (p.Tyr1072Phe)

Gene: BLM (BLM RecQ like helicase; plus strand). Cytogenetic location: 15q26.1.
Variant type: single nucleotide variant.
Coding change: c.3215A>T on transcript NM_000057.4 (MANE Select); coding-DNA position 3215, A replaced by T.
Protein change: p.Tyr1072Phe; replaces tyrosine 1072 with phenylalanine.
Molecular consequence: missense variant.
Genome position (GRCh38, 1-based): chr15:90,798,194, A>T. VCF-style: chr15-90798194-A-T. GRCh37 (hg19) VCF-style: chr15-91341424-A-T.
Other names: c.3215A>T, p.Tyr1072Phe (NM_001287246.2, NM_001287247.2); c.2090A>T, p.Tyr697Phe (NM_001287248.2); short protein forms Y1072F, Y697F.
Identifiers: ClinVar variation 2202502 (VCV002202502.5), dbSNP rs2505534188, ClinGen allele CA393847111.